The following is an entry in ClinVar:

NM_033026.6(PCLO):c.12929C>A (p.Ser4310Tyr)

Gene: PCLO (piccolo presynaptic cytomatrix protein; minus strand). Cytogenetic location: 7q21.11.
Variant type: single nucleotide variant.
Coding change: c.12929C>A on transcript NM_033026.6 (MANE Select); coding-DNA position 12929, C replaced by A.
Protein change: p.Ser4310Tyr; replaces serine 4310 with tyrosine.
Molecular consequence: missense variant.
Genome position (GRCh38, 1-based): chr7:82,915,057, G>T on the plus strand (C>A on the coding strand, the complement: PCLO is on the minus strand). VCF-style: chr7-82915057-G-T. GRCh37 (hg19) VCF-style: chr7-82544373-G-T.
Other names: c.12929C>A, p.Ser4310Tyr (NM_014510.3); short protein forms S4310Y.
Identifiers: ClinVar variation 1505150 (VCV001505150.5), dbSNP rs1448524631, ClinGen allele CA367884998.

ClinVar aggregate classification (germline): Uncertain significance (1 of 4 stars; one submission).

Allele frequency attached by ClinVar (database versions not stated): gnomAD exomes below 0.00001; TOPMed below 0.00001.
gnomAD v4.1: 1 of 1,612,506 alleles (0.000062%); highest among the groups gnomAD compares: Non-Finnish European, 0.000085%; no homozygotes.

Submission:

Labcorp Genetics (formerly Invitae), Labcorp
Classification: Uncertain significance. Last evaluated: 2021-08-14. Review status: criteria provided, single submitter. Criteria: Invitae Variant Classification Sherloc (09022015). Collection method: clinical testing. Allele origin: germline.
Comment: This sequence change replaces serine with tyrosine at codon 4310 of the PCLO protein (p.Ser4310Tyr). The serine residue is moderately conserved and there is a large physicochemical difference between serine and tyrosine. This variant is not present in population databases (ExAC no frequency). This variant has not been reported in the literature in individuals affected with PCLO-related conditions. Algorithms developed to predict the effect of missense changes on protein structure and function are either unavailable or do not agree on the potential impact of this missense change (SIFT: "Deleterious"; PolyPhen-2: "Not Available"; Align-GVGD: "Class C0"). In summary, the available evidence is currently insufficient to determine the role of this variant in disease. Therefore, it has been classified as a Variant of Uncertain Significance.